The following is an entry in ClinVar:

NM_004998.4(MYO1E):c.610C>A (p.Pro204Thr)

Gene: MYO1E (myosin IE; minus strand). Cytogenetic location: 15q22.2.
Variant type: single nucleotide variant.
Coding change: c.610C>A on transcript NM_004998.4 (MANE Select); coding-DNA position 610, C replaced by A.
Protein change: p.Pro204Thr; replaces proline 204 with threonine.
Molecular consequence: missense variant.
Genome position (GRCh38, 1-based): chr15:59,227,491, G>T on the plus strand (C>A on the coding strand, the complement: MYO1E is on the minus strand). VCF-style: chr15-59227491-G-T. GRCh37 (hg19) VCF-style: chr15-59519690-G-T.
Other names: c.610C>A (NM_004998.2); short protein forms P204T.
Identifiers: ClinVar variation 2077025 (VCV002077025.6), dbSNP rs374988950, ClinGen allele CA7590276.

ClinVar aggregate classification (germline): Uncertain significance. Review status: criteria provided, multiple submitters, no conflicts (2 of 4 stars). 2 submissions from 2 submitters: Uncertain significance (2). Last evaluated 2025-12-09.

Conditions:
Inborn genetic diseases. Identifiers: MedGen C0950123, MeSH D030342.

Allele frequency attached by ClinVar (database versions not stated): TOPMed 0.00005; ExAC 0.00005; gnomAD 0.00003; ESP Exome Variant Server 0.00008.
gnomAD v4.1: 70 of 1,613,994 alleles (0.0043%); highest among the groups gnomAD compares: Middle Eastern, 0.016%; no homozygotes.

Submissions (2):

Ambry Genetics
Classification: Uncertain significance for Inborn genetic diseases. Last evaluated: 2025-12-09. Review status: criteria provided, single submitter. Criteria: Ambry Variant Classification Scheme 2023. Collection method: clinical testing. Allele origin: germline.

Labcorp Genetics (formerly Invitae), Labcorp
Classification: Uncertain significance. Last evaluated: 2023-12-07. Review status: criteria provided, single submitter. Criteria: Invitae Variant Classification Sherloc (09022015). Collection method: clinical testing. Allele origin: germline.
Comment: This sequence change replaces proline, which is neutral and non-polar, with threonine, which is neutral and polar, at codon 204 of the MYO1E protein (p.Pro204Thr). This variant is present in population databases (rs374988950, gnomAD 0.1%). This variant has not been reported in the literature in individuals affected with MYO1E-related conditions. ClinVar contains an entry for this variant (Variation ID: 2077025). Advanced modeling of protein sequence and biophysical properties (such as structural, functional, and spatial information, amino acid conservation, physicochemical variation, residue mobility, and thermodynamic stability) performed at Invitae indicates that this missense variant is not expected to disrupt MYO1E protein function with a negative predictive value of 80%. In summary, the available evidence is currently insufficient to determine the role of this variant in disease. Therefore, it has been classified as a Variant of Uncertain Significance.